The following is an entry in ClinVar:

NM_177438.3(DICER1):c.4787G>T (p.Arg1596Met)

Gene: DICER1 (dicer 1, ribonuclease III; minus strand). Cytogenetic location: 14q32.13.
Variant type: single nucleotide variant.
Coding change: c.4787G>T on transcript NM_177438.3 (MANE Select); coding-DNA position 4787, G replaced by T.
Protein change: p.Arg1596Met; replaces arginine 1596 with methionine.
Molecular consequence: missense variant.
Genome position (GRCh38, 1-based): chr14:95,096,133, C>A on the plus strand (G>T on the coding strand, the complement: DICER1 is on the minus strand). VCF-style: chr14-95096133-C-A. GRCh37 (hg19) VCF-style: chr14-95562470-C-A.
Other names: c.4787G>T, p.Arg1596Met (NM_001195573.1, NM_001271282.3, NM_001291628.2 and 1 more transcripts); short protein forms R1596M.
Identifiers: ClinVar variation 1022273 (VCV001022273.10), dbSNP rs1890305599, ClinGen allele CA390867170.
Genomic context (GRCh38, chr14:95,096,133, plus strand): 5'-TTCTTTTGTTGGCTGTTGAAATTCTCCCGAGTAGGGCACAGGGCCTTTTCCCGATCAGTC[C>A]TTTTAATTACCGGGAGCACCTTCAGCCCCAGTGAACAGAGGAAAAGCTGAGCAGCCCTCT-3'
Protein context (NP_803187.1, residues 1586-1606): LGLKVLPVIK[Arg1596Met]TDREKALCPT

ClinVar aggregate classification (germline): Uncertain significance (1 of 4 stars; one submission).

Conditions:
DICER1-related tumor predisposition. Also called: DICER1 syndrome; DICER1-related pleuropulmonary blastoma cancer predisposition syndrome. Identifiers: Orphanet 284343, MedGen C3839822, MONDO:0100216.

Submission:

Labcorp Genetics (formerly Invitae), Labcorp
Classification: Uncertain significance for DICER1-related tumor predisposition. Last evaluated: 2022-01-28. Review status: criteria provided, single submitter. Criteria: Invitae Variant Classification Sherloc (09022015). Collection method: clinical testing. Allele origin: germline.
Comment: This sequence change replaces arginine, which is basic and polar, with methionine, which is neutral and non-polar, at codon 1596 of the DICER1 protein (p.Arg1596Met). Algorithms developed to predict the effect of missense changes on protein structure and function are either unavailable or do not agree on the potential impact of this missense change (SIFT: "Deleterious"; PolyPhen-2: "Benign"; Align-GVGD: "Class C0"). In summary, the available evidence is currently insufficient to determine the role of this variant in disease. Therefore, it has been classified as a Variant of Uncertain Significance. ClinVar contains an entry for this variant (Variation ID: 1022273). This variant is not present in population databases (gnomAD no frequency). This variant has not been reported in the literature in individuals affected with DICER1-related conditions.